The following is an entry in ClinVar:

ClinVar aggregate classification (germline): Uncertain significance (1 of 4 stars; one submission).

Conditions:
PLXNA2-related disorder. Also called: PLXNA2-related condition.

gnomAD v4.1: 4 of 1,614,130 alleles (0.00025%); highest among the groups gnomAD compares: Admixed American, 0.0017%; no homozygotes.

Submission:

PreventionGenetics, part of Exact Sciences
Classification: Uncertain significance for PLXNA2-related condition. Last evaluated: 2025-08-28. Review status: criteria provided, single submitter. Criteria: ACMG Guidelines, 2015. Collection method: clinical testing. Allele origin: germline.
Comment: The PLXNA2 c.2128A>T variant is predicted to result in the amino acid substitution p.Ile710Phe. To our knowledge, this variant has not been reported in the literature. This variant is reported in 0.0029% of alleles in individuals of Latino descent in gnomAD. At this time, the clinical significance of this variant is uncertain due to the absence of conclusive functional and genetic evidence.

NM_025179.4(PLXNA2):c.2128A>T (p.Ile710Phe)

Gene: PLXNA2 (plexin A2; minus strand). Cytogenetic location: 1q32.2.
Variant type: single nucleotide variant.
Coding change: c.2128A>T on transcript NM_025179.4 (MANE Select); coding-DNA position 2128, A replaced by T.
Protein change: p.Ile710Phe; replaces isoleucine 710 with phenylalanine.
Molecular consequence: missense variant.
Genome position (GRCh38, 1-based): chr1:208,084,550, T>A on the plus strand (A>T on the coding strand, the complement: PLXNA2 is on the minus strand). VCF-style: chr1-208084550-T-A. GRCh37 (hg19) VCF-style: chr1-208257895-T-A.
Other names: short protein forms I710F.
Identifiers: ClinVar variation 4982592 (VCV004982592.1).